The following is an entry in ClinVar:

ClinVar aggregate classification (germline): Uncertain significance. Review status: criteria provided, multiple submitters, no conflicts (2 of 4 stars). 3 submissions from 3 submitters: Uncertain significance (3). Last evaluated 2026-06-06.

Conditions:
Inborn genetic diseases. Identifiers: MedGen C0950123, MeSH D030342.
Polycystic kidney disease, adult type (PKD1). Also called: POLYCYSTIC KIDNEY DISEASE, ADULT, TYPE I; Polycystic Kidney Disease 1, Autosomal Dominant; Polycystic kidney disease 1; Polycystic kidney disease 1, severe; Polycystic Kidney, Autosomal Dominant; POLYCYSTIC KIDNEY DISEASE 1 WITH OR WITHOUT POLYCYSTIC LIVER DISEASE. Identifiers: MedGen C3149841, MONDO:0008263, OMIM 173900.
PKD1-related disorder. Also called: PKD1-related condition.

gnomAD v4.1: 28 of 1,610,922 alleles (0.0017%); highest among the groups gnomAD compares: South Asian, 0.022%; no homozygotes.

Submissions (3):

PreventionGenetics, part of Exact Sciences
Classification: Uncertain significance for PKD1-related condition. Last evaluated: 2026-06-06. Review status: criteria provided, single submitter. Criteria: ACMG Guidelines, 2015. Collection method: clinical testing. Allele origin: germline.
Comment: The PKD1 c.4585G>A variant is predicted to result in the amino acid substitution p.Gly1529Ser. To our knowledge, this variant has not been reported in the literature. This variant is reported in 0.013% of alleles in individuals of South Asian descent in gnomAD. Although we suspect that this variant may be benign, at this time, the clinical significance of this variant is uncertain due to the absence of conclusive functional and genetic evidence.

Ambry Genetics
Classification: Uncertain significance for Inborn genetic diseases. Last evaluated: 2024-09-27. Review status: criteria provided, single submitter. Criteria: Ambry Variant Classification Scheme 2023. Collection method: clinical testing. Allele origin: germline.

Fulgent Genetics
Classification: Uncertain significance for Polycystic kidney disease, adult type. Last evaluated: 2024-05-03. Review status: criteria provided, single submitter. Criteria: ACMG Guidelines, 2015. Collection method: clinical testing. Allele origin: germline.

NM_001009944.3(PKD1):c.4585G>A (p.Gly1529Ser)

Gene: PKD1 (polycystin 1, transient receptor potential channel interacting; minus strand). Cytogenetic location: 16p13.3.
Variant type: single nucleotide variant.
Coding change: c.4585G>A on transcript NM_001009944.3 (MANE Select); coding-DNA position 4585, G replaced by A.
Protein change: p.Gly1529Ser; replaces glycine 1529 with serine.
Molecular consequence: missense variant.
Genome position (GRCh38, 1-based): chr16:2,110,582, C>T on the plus strand (G>A on the coding strand, the complement: PKD1 is on the minus strand). VCF-style: chr16-2110582-C-T. GRCh37 (hg19) VCF-style: chr16-2160583-C-T.
Other names: c.4585G>A, p.Gly1529Ser (NM_000296.4); short protein forms G1529S.
Identifiers: ClinVar variation 3419036 (VCV003419036.3).
Genomic context (GRCh38, chr16:2,110,582, plus strand): 5'-GCACGCGCCGCTTCACCGTCACATTGAGCCAGGCCTCGCTGCGGCTCACCTCATTCCAGC[C>T]GGCCACCCTAACGGTGAAGTCACCTGTGCTGTTGTAAGCGTGGGTGACCTCCGGACCCTC-3'
Protein context (NP_001009944.3, residues 1519-1539): STGDFTVRVA[Gly1529Ser]WNEVSRSEAW